The following is an entry in ClinVar:

ClinVar aggregate classification (germline): Benign. Review status: criteria provided, multiple submitters, no conflicts (2 of 4 stars). 2 submissions from 2 submitters: Benign (2). Last evaluated 2018-06-14.

Allele frequency attached by ClinVar (database versions not stated): 1000 Genomes Project 30x 0.46752; gnomAD 0.49446 and 0.48893; gnomAD exomes 0.45804; ExAC 0.47653; TOPMed 0.48640; 1000 Genomes Project 0.46526.
gnomAD v4.1: 263,697 of 565,146 alleles (47%); highest among the groups gnomAD compares: African/African-American, 56%; 62,683 homozygotes.

Submissions (6):

GeneDx
Classification: Benign. Last evaluated: 2018-06-14. Review status: criteria provided, single submitter. Criteria: GeneDx Variant Classification (06012015). Collection method: clinical testing. Allele origin: germline. Affected: yes.
Comment: This variant is considered likely benign or benign based on one or more of the following criteria: it is a conservative change, it occurs at a poorly conserved position in the protein, it is predicted to be benign by multiple in silico algorithms, and/or has population frequency not consistent with disease.

Breakthrough Genomics
Classification: Benign. Review status: criteria provided, single submitter. Criteria: ACMG Guidelines, 2015. Collection method: not provided. Allele origin: germline. Inheritance: Autosomal recessive inheritance. Affected: yes.

Dr. Peter K. Rogan Lab, Western University
No classification provided (evidence only). Condition: Uterine carcinosarcoma. Review status: no classification provided. Collection method: in vitro. Allele origin: not applicable. Functional consequence: retained intron. Not counted in ClinVar's aggregate classification.

Dr. Peter K. Rogan Lab, Western University
No classification provided (evidence only). Condition: Uterine carcinosarcoma. Review status: no classification provided. Collection method: in vitro. Allele origin: not applicable. Functional consequence: retained intron. Not counted in ClinVar's aggregate classification.

Dr. Peter K. Rogan Lab, Western University
No classification provided (evidence only). Condition: Uterine carcinosarcoma. Review status: no classification provided. Collection method: in vitro. Allele origin: not applicable. Functional consequence: retained intron. Not counted in ClinVar's aggregate classification.

Dr. Peter K. Rogan Lab, Western University
No classification provided (evidence only). Condition: Uterine carcinosarcoma. Review status: no classification provided. Collection method: in vitro. Allele origin: not applicable. Functional consequence: retained intron. Not counted in ClinVar's aggregate classification.

NM_130837.3(OPA1):c.2983+207A>G

Gene: OPA1 (OPA1 mitochondrial dynamin like GTPase; plus strand). Cytogenetic location: 3q29.
Variant type: single nucleotide variant.
Coding change: c.2983+207A>G on transcript NM_130837.3 (MANE Select); 207 bases into the intron after coding-DNA position 2983, A replaced by G.
Molecular consequence: intron variant.
Genome position (GRCh38, 1-based): chr3:193,667,487, A>G. VCF-style: chr3-193667487-A-G. GRCh37 (hg19) VCF-style: chr3-193385276-A-G.
Other names: NC_000003.11:g.193385276A>G; c.2446+207A>G (NM_001354664.2); c.2449+207A>G (NM_001354663.2); c.2872+207A>G (NM_130834.3); c.2929+207A>G (NM_130836.3); c.2818+207A>G (NM_015560.3); c.2875+207A>G (NM_130835.3); c.2764+207A>G (NM_130832.3); and 2 more.
Identifiers: ClinVar variation 667775 (VCV000667775.3), dbSNP rs13070610, ClinGen allele CA2759817.